The following is an entry in ClinVar:

NM_005751.5(AKAP9):c.9280A>G (p.Ile3094Val)

Gene: AKAP9 (A-kinase anchoring protein 9; plus strand). Cytogenetic location: 7q21.2.
Variant type: single nucleotide variant.
Coding change: c.9280A>G on transcript NM_005751.5 (MANE Select); coding-DNA position 9280, A replaced by G.
Protein change: p.Ile3094Val; replaces isoleucine 3094 with valine.
Molecular consequence: missense variant.
Genome position (GRCh38, 1-based): chr7:92,089,451, A>G. VCF-style: chr7-92089451-A-G. GRCh37 (hg19) VCF-style: chr7-91718765-A-G.
Other names: c.3925A>G, p.Ile1309Val (NM_001379277.1); c.9256A>G, p.Ile3086Val (NM_147185.3); short protein forms I1309V, I3086V, I3094V.
Identifiers: ClinVar variation 3225111 (VCV003225111.1), dbSNP rs2535278443, ClinGen allele CA368144619.

ClinVar aggregate classification (germline): Uncertain significance (1 of 4 stars; one submission).

Conditions:
Cardiovascular phenotype. Identifiers: MedGen CN230736.

Allele frequency attached by ClinVar (database versions not stated): gnomAD exomes below 0.00001.
gnomAD v4.1: 1 of 1,613,024 alleles (0.000062%); highest among the groups gnomAD compares: Non-Finnish European, 0.000085%; no homozygotes.

Submission:

Ambry Genetics
Classification: Uncertain significance for Cardiovascular phenotype. Last evaluated: 2023-10-29. Review status: criteria provided, single submitter. Criteria: Ambry Variant Classification Scheme 2023. Collection method: clinical testing. Allele origin: germline.
Comment: The p.I3094V variant (also known as c.9280A>G), located in coding exon 38 of the AKAP9 gene, results from an A to G substitution at nucleotide position 9280. The isoleucine at codon 3094 is replaced by valine, an amino acid with highly similar properties. This amino acid position is conserved. In addition, this alteration is predicted to be tolerated by in silico analysis. Since supporting evidence is limited at this time, the clinical significance of this alteration remains unclear.